The following is an entry in ClinVar:

NM_005502.4(ABCA1):c.936C>T (p.Pro312=)

Gene: ABCA1 (ATP binding cassette subfamily A member 1; minus strand). Cytogenetic location: 9q31.1.
Variant type: single nucleotide variant.
Coding change: c.936C>T on transcript NM_005502.4 (MANE Select); coding-DNA position 936, C replaced by T.
Protein change: p.Pro312=; no amino-acid change (proline 312 retained).
Molecular consequence: synonymous variant.
Genome position (GRCh38, 1-based): chr9:104,840,397, G>A on the plus strand (C>T on the coding strand, the complement: ABCA1 is on the minus strand). VCF-style: chr9-104840397-G-A. GRCh37 (hg19) VCF-style: chr9-107602678-G-A.
Other names: p.Pro312=.
Identifiers: ClinVar variation 364451 (VCV000364451.21), dbSNP rs2274873, ClinGen allele CA5169160.

ClinVar aggregate classification (germline): Benign. Review status: criteria provided, multiple submitters, no conflicts (2 of 4 stars). 9 submissions from 8 submitters: Benign (8). 1 of the submissions does not count toward it. Last evaluated 2026-02-04.

Conditions:
Tangier disease (TGD). Also called: HIGH DENSITY LIPOPROTEIN DEFICIENCY, TANGIER TYPE; HIGH DENSITY LIPOPROTEIN DEFICIENCY, TYPE 1; Cholesterol thesaurismosis. Identifiers: Orphanet 31150, MedGen C0039292, MONDO:0008783, OMIM 205400.
ABCA1-related disorder. Also called: ABCA1-related disorders; ABCA1-related condition. Identifiers: MedGen CN239173.
Cardiovascular phenotype. Identifiers: MedGen CN230736.
Hypoalphalipoproteinemia, primary, 1. Identifiers: Orphanet 425, MedGen C5231558, MONDO:0011393, OMIM 604091.

Allele frequency attached by ClinVar (database versions not stated): 1000 Genomes Project 30x 0.08120; 1000 Genomes Project 0.08207; TOPMed 0.08931; gnomAD 0.09159 and 0.09319; ESP Exome Variant Server 0.09895.
gnomAD v4.1: 156,355 of 1,614,018 alleles (9.7%); highest among the groups gnomAD compares: Non-Finnish European, 10%; 7,922 homozygotes.

Submissions (9):

Labcorp Genetics (formerly Invitae), Labcorp
Classification: Benign. Last evaluated: 2026-02-04. Review status: criteria provided, single submitter. Criteria: Invitae Variant Classification Sherloc (09022015). Collection method: clinical testing. Allele origin: germline.

Blueprint Genetics
Classification: Benign. Last evaluated: 2024-11-27. Review status: criteria provided, single submitter. Criteria: ACMG Guidelines, 2015. Collection method: clinical testing. Allele origin: germline.

Ambry Genetics
Classification: Benign for Cardiovascular phenotype. Last evaluated: 2018-12-11. Review status: criteria provided, single submitter. Criteria: Ambry Variant Classification Scheme 2023. Collection method: clinical testing. Allele origin: germline.

GeneDx
Classification: Benign. Last evaluated: 2018-10-04. Review status: criteria provided, single submitter. Criteria: GeneDx Variant Classification Process June 2021. Collection method: clinical testing. Allele origin: germline. Affected: yes.

Illumina Laboratory Services, Illumina
Classification: Benign for Hypoalphalipoproteinemia, primary, 1. Last evaluated: 2018-01-13. Review status: criteria provided, single submitter. Criteria: ICSL Variant Classification Criteria 13 December 2019. Collection method: clinical testing. Allele origin: germline.
Comment: This variant was observed in the ICSL laboratory as part of a predisposition screen in an ostensibly healthy population. It had not been previously curated by ICSL or reported in the Human Gene Mutation Database (HGMD: prior to June 1st, 2018), and was therefore a candidate for classification through an automated scoring system. Utilizing variant allele frequency, disease prevalence and penetrance estimates, and inheritance mode, an automated score was calculated to assess if this variant is too frequent to cause the disease. Based on the score and internal cut-off values, a variant classified as benign is not then subjected to further curation. The score for this variant resulted in a classification of benign for this disease.

Illumina Laboratory Services, Illumina
Classification: Benign for Tangier disease. Last evaluated: 2018-01-13. Review status: criteria provided, single submitter. Criteria: ICSL Variant Classification Criteria 13 December 2019. Collection method: clinical testing. Allele origin: germline.
Comment: the same text as in the submission from Illumina Laboratory Services, Illumina above.

Mayo Clinic Laboratories, Mayo Clinic
Classification: Benign. Last evaluated: 2017-07-24. Review status: criteria provided, single submitter. Criteria: ACMG Guidelines, 2015. Collection method: clinical testing. Allele origin: germline. Observed: 228 variant alleles.

Breakthrough Genomics
Classification: Benign. Review status: criteria provided, single submitter. Criteria: ACMG Guidelines, 2015. Collection method: not provided. Allele origin: germline. Inheritance: Autosomal recessive inheritance. Affected: yes.

PreventionGenetics, part of Exact Sciences
Classification: Benign for ABCA1-related condition. Last evaluated: 2019-07-08. Review status: no assertion criteria provided. Collection method: clinical testing. Allele origin: germline. Not counted in ClinVar's aggregate classification.
Comment: This variant is classified as benign based on ACMG/AMP sequence variant interpretation guidelines (Richards et al. 2015 PMID: 25741868, with internal and published modifications).